The following is an entry in ClinVar:

NM_001291303.3(FAT4):c.3577C>G (p.Gln1193Glu)

Gene: FAT4 (FAT atypical cadherin 4; plus strand). Cytogenetic location: 4q28.1.
Variant type: single nucleotide variant.
Coding change: c.3577C>G on transcript NM_001291303.3 (MANE Select); coding-DNA position 3577, C replaced by G.
Protein change: p.Gln1193Glu; replaces glutamine 1193 with glutamic acid.
Molecular consequence: missense variant.
Genome position (GRCh38, 1-based): chr4:125,319,988, C>G. VCF-style: chr4-125319988-C-G. GRCh37 (hg19) VCF-style: chr4-126241143-C-G.
Other names: c.3577C>G, p.Gln1193Glu (NM_001291285.3, NM_024582.6); c.3577C>G (NM_024582.4, NM_024582.5); short protein forms Q1193E.
Identifiers: ClinVar variation 1921075 (VCV001921075.5), dbSNP rs557918943, ClinGen allele CA3072330.

ClinVar aggregate classification (germline): Uncertain significance. Review status: criteria provided, multiple submitters, no conflicts (2 of 4 stars). 3 submissions from 3 submitters: Uncertain significance (3). Last evaluated 2024-02-05.

Conditions:
Inborn genetic diseases. Identifiers: MedGen C0950123, MeSH D030342.
Van Maldergem syndrome 2 (VMLDS2). Identifiers: Orphanet 314679, MedGen C3809875, MONDO:0014242, OMIM 615546.
Hennekam lymphangiectasia-lymphedema syndrome 2 (HKLLS2). Identifiers: Orphanet 2136, MedGen C4014939, MONDO:0014454, OMIM 616006.

Allele frequency attached by ClinVar (database versions not stated): gnomAD exomes 0.00003; gnomAD 0.00004; TOPMed 0.00005; ExAC 0.00002.

Submissions (3):

Fulgent Genetics
Classification: Uncertain significance for Van Maldergem syndrome 2; Hennekam lymphangiectasia-lymphedema syndrome 2. Last evaluated: 2024-02-05. Review status: criteria provided, single submitter. Criteria: ACMG Guidelines, 2015. Collection method: clinical testing. Allele origin: germline.

Ambry Genetics
Classification: Uncertain significance for Inborn genetic diseases. Last evaluated: 2023-09-13. Review status: criteria provided, single submitter. Criteria: Ambry Variant Classification Scheme 2023. Collection method: clinical testing. Allele origin: germline.

Labcorp Genetics (formerly Invitae), Labcorp
Classification: Uncertain significance. Last evaluated: 2022-10-17. Review status: criteria provided, single submitter. Criteria: Invitae Variant Classification Sherloc (09022015). Collection method: clinical testing. Allele origin: germline.
Comment: This sequence change replaces glutamine, which is neutral and polar, with glutamic acid, which is acidic and polar, at codon 1193 of the FAT4 protein (p.Gln1193Glu). This variant is present in population databases (rs557918943, gnomAD 0.005%). This variant has not been reported in the literature in individuals affected with FAT4-related conditions. Advanced modeling of protein sequence and biophysical properties (such as structural, functional, and spatial information, amino acid conservation, physicochemical variation, residue mobility, and thermodynamic stability) performed at Invitae indicates that this missense variant is not expected to disrupt FAT4 protein function. In summary, the available evidence is currently insufficient to determine the role of this variant in disease. Therefore, it has been classified as a Variant of Uncertain Significance.